The following is an entry in ClinVar:

NM_000051.4(ATM):c.3153+6T>A

Gene: ATM (ATM serine/threonine kinase; plus strand). Cytogenetic location: 11q22.3.
Variant type: single nucleotide variant.
Coding change: c.3153+6T>A on transcript NM_000051.4 (MANE Select); 6 bases into the intron after coding-DNA position 3153, T replaced by A.
Molecular consequence: intron variant.
Genome position (GRCh38, 1-based): chr11:108,272,613, T>A. VCF-style: chr11-108272613-T-A. GRCh37 (hg19) VCF-style: chr11-108143340-T-A.
Other names: c.3153+6T>A (NM_001351834.2).
Identifiers: ClinVar variation 3801475 (VCV003801475.1).

ClinVar aggregate classification (germline): Uncertain significance (1 of 4 stars; one submission).

Conditions:
Hereditary cancer-predisposing syndrome. Also called: Neoplastic Syndromes, Hereditary; Hereditary Cancer Syndrome; Tumor predisposition; Hereditary neoplastic syndrome. Identifiers: Orphanet 140162, MedGen C0027672, MeSH D009386, MONDO:0015356.

Submission:

Ambry Genetics
Classification: Uncertain significance for Hereditary cancer-predisposing syndrome. Last evaluated: 2025-01-07. Review status: criteria provided, single submitter. Criteria: Ambry Variant Classification Scheme 2023. Collection method: clinical testing. Allele origin: germline.
Comment: The c.3153+6T>A intronic variant results from a T to A substitution 6 nucleotides after coding exon 20 in the ATM gene. This nucleotide position is well conserved in available vertebrate species. In silico splice site analysis predicts that this alteration may weaken the native splice donor site; however, direct evidence is insufficient at this time (Ambry internal data). Based on the available evidence, the clinical significance of this variant remains unclear.